The following is an entry in ClinVar:

ClinVar aggregate classification (germline): Likely benign (0 of 4 stars; one submission).

Conditions:
GIT1-related disorder. Also called: GIT1-related condition.

Allele frequency attached by ClinVar (database versions not stated): 1000 Genomes Project 30x 0.00016; 1000 Genomes Project 0.00020.
gnomAD v4.1: 33 of 1,612,492 alleles (0.002%); highest among the groups gnomAD compares: East Asian, 0.074%; no homozygotes.

Submission:

PreventionGenetics, part of Exact Sciences
Classification: Likely benign for GIT1-related condition. Last evaluated: 2019-07-12. Review status: no assertion criteria provided. Collection method: clinical testing. Allele origin: germline.
Comment: This variant is classified as likely benign based on ACMG/AMP sequence variant interpretation guidelines (Richards et al. 2015 PMID: 25741868, with internal and published modifications).

NM_014030.4(GIT1):c.387C>A (p.Thr129=)

Gene: GIT1 (GIT ArfGAP 1; minus strand). Cytogenetic location: 17q11.2.
Variant type: single nucleotide variant.
Coding change: c.387C>A on transcript NM_014030.4 (MANE Select); coding-DNA position 387, C replaced by A.
Protein change: p.Thr129=; no amino-acid change (threonine 129 retained).
Molecular consequence: synonymous variant.
Genome position (GRCh38, 1-based): chr17:29,582,716, G>T on the plus strand (C>A on the coding strand, the complement: GIT1 is on the minus strand). VCF-style: chr17-29582716-G-T. GRCh37 (hg19) VCF-style: chr17-27909734-G-T.
Other names: c.387C>A, p.Thr129= (NM_001085454.2).
Identifiers: ClinVar variation 3050096 (VCV003050096.2), dbSNP rs544991985, ClinGen allele CA8476426.
Genomic context (GRCh38, chr17:29,582,716, plus strand): 5'-GAAGAGGAGGGGGCCACCCATCTGTTGTAGGGCCCCTCAAACCTTGCTGAGGTCTTTGGC[G>T]GTGACTCCATCATCGTCCCGGCAGGGAAGCTTGTGCACAAATGCCAGCATCTGGTACTTG-3'
Protein context (NP_054749.2, residues 119-139): KLPCRDDDGV[Thr129=]AKDLSKQLHS